The following is an entry in ClinVar:

NM_007194.4(CHEK2):c.1542+4T>C

Gene: CHEK2 (checkpoint kinase 2; minus strand). Cytogenetic location: 22q12.1.
Variant type: single nucleotide variant.
Coding change: c.1542+4T>C on transcript NM_007194.4 (MANE Select); 4 bases into the intron after coding-DNA position 1542, T replaced by C.
Molecular consequence: intron variant.
Genome position (GRCh38, 1-based): chr22:28,689,131, A>G on the plus strand (T>C on the coding strand, the complement: CHEK2 is on the minus strand). VCF-style: chr22-28689131-A-G. GRCh37 (hg19) VCF-style: chr22-29085119-A-G.
Other names: c.879+4T>C (NM_001437942.1, NM_001257387.3); c.1341+4T>C (NM_001349956.3); c.1455+4T>C (NM_145862.3); c.1548+4T>C (NM_001438295.1); c.1635+4T>C (NM_001438293.1); c.1584+4T>C (NM_001438294.1); c.1671+4T>C (NM_001005735.3).
Identifiers: ClinVar variation 5034535 (VCV005034535.1).

ClinVar aggregate classification (germline): Uncertain significance (1 of 4 stars; one submission).

Conditions:
Hereditary cancer-predisposing syndrome. Also called: Hereditary Cancer Syndrome; Neoplastic Syndromes, Hereditary; Tumor predisposition; Hereditary neoplastic syndrome. Identifiers: Orphanet 140162, MedGen C0027672, MeSH D009386, MONDO:0015356.

Submission:

Ambry Genetics
Classification: Uncertain significance for Hereditary cancer-predisposing syndrome. Last evaluated: 2026-07-20. Review status: criteria provided, single submitter. Criteria: Ambry Variant Classification Scheme 2023. Collection method: clinical testing. Allele origin: germline.
Comment: The c.1542+4T>C intronic variant results from a T to C substitution 4 nucleotides after coding exon 13 in the CHEK2 gene. This nucleotide position is highly conserved in available vertebrate species. In silico splice site analysis predicts that this alteration will not have any significant effect on splicing. Based on the available evidence, the clinical significance of this variant remains unclear.